The following is an entry in ClinVar:

NM_014251.3(SLC25A13):c.1230+1G>C

Gene: SLC25A13 (solute carrier family 25 member 13; minus strand). Cytogenetic location: 7q21.3.
Variant type: single nucleotide variant.
Coding change: c.1230+1G>C on transcript NM_014251.3 (MANE Select); the canonical splice donor site of the intron after coding-DNA position 1230, G replaced by C.
Molecular consequence: splice donor variant.
Genome position (GRCh38, 1-based): chr7:96,171,471, C>G on the plus strand (G>C on the coding strand, the complement: SLC25A13 is on the minus strand). VCF-style: chr7-96171471-C-G. GRCh37 (hg19) VCF-style: chr7-95800783-C-G.
Other names: c.1233+1G>C (NM_001160210.2); c.1230+1G>C (NM_014251.2).
Identifiers: ClinVar variation 3764701 (VCV003764701.4).

ClinVar aggregate classification (germline): Pathogenic. Review status: criteria provided, multiple submitters, no conflicts (2 of 4 stars). 2 submissions from 2 submitters: Pathogenic (2). Last evaluated 2025-05-29.

Conditions:
Citrullinemia. Identifiers: Orphanet 187, MedGen C0175683, MONDO:0015991.
Neonatal intrahepatic cholestasis due to citrin deficiency (CDNI). Also called: Neonatal Intrahepatic Cholestasis Caused by Citrin Deficiency (NICCD); Neonatal-onset citrullinemia type II; Neonatal-onset citrullinemia type 2; CITRIN DEFICIENCY, NEONATAL OR INFANTILE ONSET. Identifiers: Orphanet 247598, MedGen C1853942, MONDO:0011601, OMIM 605814.
Citrullinemia, type II, adult-onset (CDAA). Also called: CITRIN DEFICIENCY, ADOLESCENT OR ADULT ONSET. Identifiers: Orphanet 247585, MedGen CN295299, MONDO:0011326, OMIM 603471.

Submissions (2):

Natera, Inc.
Classification: Pathogenic for Citrullinemia. Last evaluated: 2025-05-29. Review status: criteria provided, single submitter. Criteria: Natera Variant Classification Schema (03/2026). Collection method: clinical testing. Allele origin: germline.
Comment: The c.1230+1G>C variant in SLC25A13 is a canonical splice donor site variant predicted to affect pre-mRNA splicing, which may result in an abnormal transcript and altered protein product. This variant is expected to result in nonsense mediated decay, truncation, or a dysfunctional protein product. This variant is rare in the general population with a frequency below the threshold expected for the associated phenotype(s). Another variant at this same site results in an alteration predicted to cause a similar molecular effect has been observed in individual(s) with the associated phenotype. Given the available evidence, this variant is classified as Pathogenic.

Juno Genomics, Hangzhou Juno Genomics, Inc
Classification: Pathogenic for Citrullinemia, type II, adult-onset; Neonatal intrahepatic cholestasis due to citrin deficiency. Review status: criteria provided, single submitter. Criteria: ACMG Guidelines, 2015. Collection method: clinical testing. Allele origin: germline. Affected: yes.
Comment: Absent from controls (or at extremely low frequency if recessive) in Genome Aggregation Database, Exome Sequencing Project, 1000 Genomes Project, or Exome Aggregation Consortium.;Null variant in a gene where loss of function (LOF) is a known mechanism of disease.;For recessive disorders, detected in trans with a pathogenic variant.;Patient's phenotype or family history is highly specific for a disease with a single genetic etiology.